The following is an entry in ClinVar:

NM_004370.6(COL12A1):c.6124T>A (p.Ser2042Thr)

Gene: COL12A1 (collagen type XII alpha 1 chain; minus strand). Cytogenetic location: 6q13.
Variant type: single nucleotide variant.
Coding change: c.6124T>A on transcript NM_004370.6 (MANE Select); coding-DNA position 6124, T replaced by A.
Protein change: p.Ser2042Thr; replaces serine 2042 with threonine.
Molecular consequence: missense variant.
Genome position (GRCh38, 1-based): chr6:75,130,177, A>T on the plus strand (T>A on the coding strand, the complement: COL12A1 is on the minus strand). VCF-style: chr6-75130177-A-T. GRCh37 (hg19) VCF-style: chr6-75839893-A-T.
Other names: c.6124T>A (NM_004370.5); c.2632T>A, p.Ser878Thr (NM_080645.3); short protein forms S2042T, S878T.
Identifiers: ClinVar variation 2077132 (VCV002077132.5), dbSNP rs1766232581, ClinGen allele CA364731125.

ClinVar aggregate classification (germline): Uncertain significance. Review status: criteria provided, multiple submitters, no conflicts (2 of 4 stars). 2 submissions from 2 submitters: Uncertain significance (2). Last evaluated 2024-10-01.

Conditions:
Inborn genetic diseases. Identifiers: MedGen C0950123, MeSH D030342.
Ullrich congenital muscular dystrophy 2 (UCMD2). Identifiers: Orphanet 75840, MedGen C4225314, MONDO:0014654, OMIM 616470.
Bethlem myopathy 2 (BTHLM2). Identifiers: Orphanet 536516, Orphanet 610, MedGen C4225313, MONDO:0034022, OMIM 616471.

Allele frequency attached by ClinVar (database versions not stated): gnomAD exomes below 0.00001.
gnomAD v4.1: 2 of 1,614,058 alleles (0.00012%); highest among the groups gnomAD compares: Admixed American, 0.0017%; no homozygotes.

Submissions (2):

Ambry Genetics
Classification: Uncertain significance for Inborn genetic diseases. Last evaluated: 2024-10-01. Review status: criteria provided, single submitter. Criteria: Ambry Variant Classification Scheme 2023. Collection method: clinical testing. Allele origin: germline.

Labcorp Genetics (formerly Invitae), Labcorp
Classification: Uncertain significance for Bethlem myopathy 2; Ullrich congenital muscular dystrophy 2. Last evaluated: 2024-07-01. Review status: criteria provided, single submitter. Criteria: Invitae Variant Classification Sherloc (09022015). Collection method: clinical testing. Allele origin: germline.
Comment: This sequence change replaces serine, which is neutral and polar, with threonine, which is neutral and polar, at codon 2042 of the COL12A1 protein (p.Ser2042Thr). This variant is not present in population databases (gnomAD no frequency). This variant has not been reported in the literature in individuals affected with COL12A1-related conditions. ClinVar contains an entry for this variant (Variation ID: 2077132). Advanced modeling of protein sequence and biophysical properties (such as structural, functional, and spatial information, amino acid conservation, physicochemical variation, residue mobility, and thermodynamic stability) performed at Invitae indicates that this missense variant is not expected to disrupt COL12A1 protein function with a negative predictive value of 80%. In summary, the available evidence is currently insufficient to determine the role of this variant in disease. Therefore, it has been classified as a Variant of Uncertain Significance.